The following is an entry in ClinVar:

NM_001376.5(DYNC1H1):c.323A>G (p.His108Arg)

Gene: DYNC1H1 (dynein cytoplasmic 1 heavy chain 1; plus strand). Cytogenetic location: 14q32.31.
Variant type: single nucleotide variant.
Coding change: c.323A>G on transcript NM_001376.5 (MANE Select); coding-DNA position 323, A replaced by G.
Protein change: p.His108Arg; replaces histidine 108 with arginine.
Molecular consequence: missense variant.
Genome position (GRCh38, 1-based): chr14:101,975,778, A>G. VCF-style: chr14-101975778-A-G. GRCh37 (hg19) VCF-style: chr14-102442115-A-G.
Other names: short protein forms H108R.
Identifiers: ClinVar variation 2893504 (VCV002893504.3), dbSNP rs2047793417, ClinGen allele CA391006385.

ClinVar aggregate classification (germline): Uncertain significance (1 of 4 stars; one submission).

Conditions:
Charcot-Marie-Tooth disease axonal type 2O. Also called: CHARCOT-MARIE-TOOTH NEUROPATHY, AXONAL, TYPE 2O; CHARCOT-MARIE-TOOTH DISEASE, AXONAL, AUTOSOMAL DOMINANT, TYPE 2O; Charcot-Marie-Tooth Neuropathy Type 2O; Charcot-Marie-Tooth disease, axonal, type 20. Identifiers: Orphanet 284232, MedGen C3280220, MONDO:0013644, OMIM 614228.

Submission:

Labcorp Genetics (formerly Invitae), Labcorp
Classification: Uncertain significance for Charcot-Marie-Tooth disease axonal type 2O. Last evaluated: 2026-01-07. Review status: criteria provided, single submitter. Criteria: Invitae Variant Classification Sherloc (09022015). Collection method: clinical testing. Allele origin: germline.
Comment: This sequence change replaces histidine, which is basic and polar, with arginine, which is basic and polar, at codon 108 of the DYNC1H1 protein (p.His108Arg). This variant is not present in population databases (gnomAD no frequency). This variant has not been reported in the literature in individuals affected with DYNC1H1-related conditions. ClinVar contains an entry for this variant (Variation ID: 2893504). Invitae Evidence Modeling of protein sequence and biophysical properties (such as structural, functional, and spatial information, amino acid conservation, physicochemical variation, residue mobility, and thermodynamic stability) indicates that this missense variant is not expected to disrupt DYNC1H1 protein function with a negative predictive value of 95%. In summary, the available evidence is currently insufficient to determine the role of this variant in disease. Therefore, it has been classified as a Variant of Uncertain Significance.